The following is an entry in ClinVar:

NM_000059.4(BRCA2):c.8350C>T (p.Arg2784Trp)

Gene: BRCA2 (BRCA2 DNA repair associated; plus strand). Cytogenetic location: 13q13.1.
Variant type: single nucleotide variant.
Coding change: c.8350C>T on transcript NM_000059.4 (MANE Select); coding-DNA position 8350, C replaced by T.
Protein change: p.Arg2784Trp; replaces arginine 2784 with tryptophan.
Molecular consequence: missense variant.
Genome position (GRCh38, 1-based): chr13:32,370,420, C>T. VCF-style: chr13-32370420-C-T. GRCh37 (hg19) VCF-style: chr13-32944557-C-T.
Other names: 8578C>T; short protein forms R2784W.
Identifiers: ClinVar variation 38155 (VCV000038155.78), dbSNP rs80359075, ClinGen allele CA025593.

ClinVar aggregate classification (germline): Pathogenic/Likely pathogenic. Review status: criteria provided, multiple submitters, no conflicts (2 of 4 stars). 31 submissions from 31 submitters: Pathogenic (5); Likely pathogenic (20). 6 of the submissions do not count toward it. Last evaluated 2026-09-02.

Conditions:
Autosomal dominant BRCA2-related cancer types.
Pancreatic cancer, susceptibility to, 2. Identifiers: Orphanet 1333, MedGen C3150546, MONDO:0013235, OMIM 613347.
Glioma susceptibility 3 (GLM3). Also called: Glioblastoma 3. Identifiers: Orphanet 182067, Orphanet 360, MedGen C2751641, MONDO:0013093, OMIM 613029.
Familial prostate cancer. Also called: Hereditary Prostate Cancer. Identifiers: MedGen C2931456, MONDO:0700275, OMIM 176807.
Breast-ovarian cancer, familial, susceptibility to, 2 (BROVCA2). Also called: BRCA2 Hereditary Breast and Ovarian Cancer. Identifiers: Orphanet 145, MedGen C2675520, MONDO:0012933, OMIM 612555. Disease mechanism: loss of function.
Fanconi anemia complementation group D1. Also called: BRCA2-Related Fanconi Anemia. Identifiers: Orphanet 319462, MedGen C1838457, MONDO:0011584, OMIM 605724.
Medulloblastoma (MDB). Also called: Medulloblastoma, somatic; MEDULLOBLASTOMA PREDISPOSITION SYNDROME. Identifiers: Orphanet 616, MedGen C0025149, MeSH D008527, MONDO:0007959, OMIM 155255, HP:0002885.
Wilms tumor 1 (WT1). Also called: Wilms tumor, somatic. Identifiers: Orphanet 654, MedGen CN033288, MONDO:0008679, OMIM 194070.
Familial cancer of breast. Also called: BREAST CANCER, FAMILIAL; hereditary breast carcinoma; Hereditary breast cancer. Identifiers: Orphanet 227535, MedGen C0346153, MONDO:0016419, OMIM 114480. Disease mechanism: loss of function.
BRCA2-related cancer predisposition. Identifiers: MedGen CN377758, MONDO:0700269.
BRCA2-related disorder. Also called: BRCA2-related condition; BRCA2-related disorders. Identifiers: MedGen CN239275.
Breast and/or ovarian cancer. Identifiers: MedGen CN221562.
Hereditary cancer-predisposing syndrome. Also called: Neoplastic Syndromes, Hereditary; Tumor predisposition; Hereditary Cancer Syndrome; Hereditary neoplastic syndrome. Identifiers: Orphanet 140162, MedGen C0027672, MeSH D009386, MONDO:0015356.
Hereditary breast ovarian cancer syndrome. Also called: Breast and ovarian cancer; Hereditary breast and ovarian cancer; Hereditary breast and ovarian cancer syndrome (HBOC); Hereditary breast and ovarian cancer syndrome; BRCA1- and BRCA2-Associated Hereditary Breast and Ovarian Cancer; Hereditary breast and/or ovarian cancer syndrome. Identifiers: Orphanet 145, MedGen C0677776, MeSH D061325, MONDO:0003582. Disease mechanism: loss of function.
Chordoma. Identifiers: Orphanet 178, MedGen C0008487, MONDO:0008978, HP:0010762.

Allele frequency attached by ClinVar (database versions not stated): gnomAD exomes below 0.00001 and 0.00001; ExAC 0.00001; gnomAD 0.00001; TOPMed 0.00002; ESP Exome Variant Server 0.00015.
gnomAD v4.1: 8 of 1,613,730 alleles (0.0005%); highest among the groups gnomAD compares: Middle Eastern, 0.017%; no homozygotes.

Submissions 1 to 6 of 31:

PreventionGenetics, part of Exact Sciences
Classification: Likely pathogenic for BRCA2-related condition. Last evaluated: 2026-09-02. Review status: criteria provided, single submitter. Criteria: ACMG Guidelines, 2015. Collection method: clinical testing. Allele origin: germline.
Comment: The BRCA2 c.8350C>T variant is predicted to result in the amino acid substitution p.Arg2784Trp. This variant has been reported in the gnomAD public population database in 2 of ~251,000 alleles and is interpreted as likely pathogenic or pathogenic in ClinVar (Variation ID: 38155). Experimental studies demonstrate that this variant disrupts BRCA2 protein function (Table 2, Guidugli et al. 2013. PubMed ID: 23108138; Farrugia et al. 2008. PubMed ID: 18451181; Guidugli et al. 2018. PubMed ID: 29394989; Mesman et al. 2019. PubMed ID: 29988080; Hart et al. 2019. PubMed ID: 29884841). This variant is interpreted as likely pathogenic.

Institute of Human Genetics, University of Leipzig Medical Center
Classification: Likely pathogenic for Breast-ovarian cancer, familial, susceptibility to, 2. Last evaluated: 2026-08-04. Review status: criteria provided, single submitter. Criteria: ACMG Guidelines, 2015. Collection method: clinical testing. Allele origin: unknown. Inheritance: Autosomal dominant inheritance. Affected: yes.
Comment: Criteria applied: PS3,PM3_SUP,PP4_MOD

German Consortium for Hereditary Breast and Ovarian Cancer, University Hospital Cologne
Classification: Likely pathogenic for Hereditary breast ovarian cancer syndrome. Last evaluated: 2026-06-09. Review status: criteria provided, single submitter. Criteria: ClinGen BRCA2 1.2.0. Collection method: curation. Allele origin: germline.
Comment: This classification follows the ClinGen ENIGMA BRCA2 v1.2.0 classification scheme.

Center for Genomic Medicine, Rigshospitalet, Copenhagen University Hospital
Classification: Likely pathogenic. Last evaluated: 2025-12-29. Review status: criteria provided, single submitter. Criteria: ACMG Guidelines, 2015. Collection method: clinical testing. Allele origin: germline.
Comment: Classification criteria: PS3, PM3_moderate

Labcorp Genetics (formerly Invitae), Labcorp
Classification: Likely pathogenic for Hereditary breast ovarian cancer syndrome. Last evaluated: 2025-12-17. Review status: criteria provided, single submitter. Criteria: Invitae Variant Classification Sherloc (09022015). Collection method: clinical testing. Allele origin: germline.
Comment: This sequence change replaces arginine, which is basic and polar, with tryptophan, which is neutral and slightly polar, at codon 2784 of the BRCA2 protein (p.Arg2784Trp). This variant is present in population databases (rs80359075, gnomAD 0.006%). This variant has been observed in individuals affected with breast, ovarian, and lung cancer (PMID: 16683254, 27616075, 30032850, 34350294). This variant may be associated with reduced penetrance of hereditary breast and ovarian cancer syndrome based on statistical analysis (external communication). In addition, this variant has been observed in individuals with Fanconi anemia (PMID: 21520333, external communication). In at least one individual the data is consistent with the variant being in trans (on the opposite chromosome) from a pathogenic variant. ClinVar contains an entry for this variant (Variation ID: 38155). Invitae Evidence Modeling incorporating data from in vitro experimental studies (PMID: 33609447) indicates that this missense variant is expected to disrupt BRCA2 function with a positive predictive value of 95%. Experimental studies have shown that this missense change affects BRCA2 function (PMID: 18451181, 23108138, 29884841, 29988080, 33293522). In summary, the currently available evidence indicates that the variant is pathogenic, but additional data are needed to prove that conclusively. Therefore, this variant has been classified as Likely Pathogenic.

Women's Health and Genetics/Laboratory Corporation of America, LabCorp
Classification: Likely pathogenic for Hereditary breast ovarian cancer syndrome. Last evaluated: 2025-11-06. Review status: criteria provided, single submitter. Criteria: LabCorp Variant Classification Summary - May 2015. Collection method: clinical testing. Allele origin: germline.
Comment: Variant summary: BRCA2 c.8350C>T (p.Arg2784Trp) results in a non-conservative amino acid change located in the BRCA2, OB1 domain of the encoded protein sequence. Algorithms developed to predict the effect of missense changes on protein structure and function all suggest that this variant is likely to be disruptive. The variant allele was found at a frequency of 8e-06 in 251430 control chromosomes. c.8350C>T has been reported in the literature in individuals affected with Breast and/or Ovarian Cancer (e.g. van der Hout_2006, Farrugia_2008, Garcia_2009, Vail_2015, Kraus_2017, daCosta_2019, Machackova_2019, Shao_2020, Wu_2021), Fanconi anemia (e.g. Radulovic_2023), or other cancers (e.g. Donner_2018, Sirak_2021, Xia_2022). Several publications report experimental evidence evaluating an impact on protein function (e.g. Farrugia_2008, Guidugli_2013, Guidugli_2018, Mesman_2019, Richardson_2021, Hu_2022) including significantly impaired homology directed repair activity meaured by HDR assays. The following publications have been ascertained in the context of this evaluation (PMID: 30032850, 18451181, 19200354, 29394989, 23108138, 24323938, 29884841, 35736817, 19043619, 27616075, 25447315, 31409081, 29988080, 36721989, 33609447, 31742824, 34970085, 25782689, 34350294, 35762214, 31060523, 30447919, 16683254). ClinVar contains an entry for this variant (Variation ID: 38155). Based on the evidence outlined above, the variant was classified as likely pathogenic.